The following is an entry in ClinVar:

ClinVar aggregate classification (germline): Uncertain significance (1 of 4 stars; one submission).

Conditions:
Inborn genetic diseases. Identifiers: MedGen C0950123, MeSH D030342.

Submission:

Ambry Genetics
Classification: Uncertain significance for Inborn genetic diseases. Last evaluated: 2026-03-24. Review status: criteria provided, single submitter. Criteria: Ambry Variant Classification Scheme 2023. Collection method: clinical testing. Allele origin: germline.
Comment: The p.N901S variant (also known as c.2702A>G), located in coding exon 21 of the BUB1B gene, results from an A to G substitution at nucleotide position 2702. The asparagine at codon 901 is replaced by serine, an amino acid with highly similar properties. This amino acid position is conserved. In addition, this alteration is predicted to be tolerated by in silico analysis. Based on the available evidence, the clinical significance of this variant remains unclear.

NM_001211.6(BUB1B):c.2702A>G (p.Asn901Ser)

Genes: BUB1B (BUB1 mitotic checkpoint serine/threonine kinase B; plus strand), BUB1B-PAK6 (BUB1B-PAK6 readthrough; plus strand). Cytogenetic location: 15q15.1.
Variant type: single nucleotide variant.
Coding change: c.2702A>G on transcript NM_001211.6 (MANE Select); coding-DNA position 2702, A replaced by G.
Protein change: p.Asn901Ser; replaces asparagine 901 with serine.
Molecular consequence: missense variant. On other transcripts: 5 prime UTR variant (2).
Genome position (GRCh38, 1-based): chr15:40,217,519, A>G. VCF-style: chr15-40217519-A-G. GRCh37 (hg19) VCF-style: chr15-40509720-A-G.
Other names: c.-349A>G (NM_001128628.3); c.-266A>G (NM_001128629.3); short protein forms N901S.
Identifiers: ClinVar variation 4867985 (VCV004867985.1).